The following is an entry in ClinVar:

NM_020706.2(SCAF4):c.1471C>T (p.Arg491Ter)

Gene: SCAF4 (SR-related CTD associated factor 4; minus strand). Cytogenetic location: 21q22.11.
Variant type: single nucleotide variant.
Coding change: c.1471C>T on transcript NM_020706.2 (MANE Select); coding-DNA position 1471, C replaced by T.
Protein change: p.Arg491Ter; replaces arginine 491 with a stop codon.
Molecular consequence: nonsense.
Genome position (GRCh38, 1-based): chr21:31,693,336, G>A on the plus strand (C>T on the coding strand, the complement: SCAF4 is on the minus strand). VCF-style: chr21-31693336-G-A. GRCh37 (hg19) VCF-style: chr21-33065649-G-A.
Other names: c.1426C>T, p.Arg476Ter (NM_001145444.1); c.1471C>T, p.Arg491Ter (NM_001145445.1); short protein forms R476*, R491*.
Identifiers: ClinVar variation 3238616 (VCV003238616.4), dbSNP rs2516760777.
Genomic context (GRCh38, chr21:31,693,336, plus strand): 5'-ATATAAAGGTTGAGTTACCACTTGCAGTTTCCGGTTTCACTTGAGGGAGGCCTTTTTGTC[G>A]ACGTTCTCTCTCTTTTTCTCGATCCCGTCTTTCTTGAGATCGAGATCGGGGAGAATGTCG-3'

ClinVar aggregate classification (germline): Pathogenic/Likely pathogenic. Review status: criteria provided, multiple submitters, no conflicts (2 of 4 stars). 2 submissions from 2 submitters: Pathogenic (1); Likely pathogenic (1). Last evaluated 2024-10-29.

Conditions:
Fliedner-Zweier syndrome (FZS). Identifiers: MedGen C5882693, MONDO:0957787, OMIM 620511.

gnomAD v4.1: 1 of 1,523,398 alleles (0.000066%); highest among the groups gnomAD compares: Non-Finnish European, 0.000089%; no homozygotes.

Submissions (2):

Institute of Human Genetics, University of Leipzig Medical Center
Classification: Pathogenic for Fliedner-Zweier syndrome. Last evaluated: 2024-10-29. Review status: criteria provided, single submitter. Criteria: ACMG Guidelines, 2015. Collection method: clinical testing. Allele origin: unknown. Inheritance: Autosomal dominant inheritance. Affected: yes.
Comment: Criteria applied: PVS1,PS4_SUP,PM2_SUP

Institute of Medical Genetics and Applied Genomics, University Hospital Tübingen
Classification: Likely pathogenic for Fliedner-Zweier syndrome. Last evaluated: 2024-06-06. Review status: criteria provided, single submitter. Criteria: ACMG Guidelines, 2015. Collection method: clinical testing. Allele origin: germline. Inheritance: Autosomal dominant inheritance. Affected: yes.